The following is an entry in ClinVar:

NM_004035.7(ACOX1):c.1119del (p.Thr374fs)

Gene: ACOX1 (acyl-CoA oxidase 1; minus strand). Cytogenetic location: 17q25.1.
Variant type: Deletion.
Coding change: c.1119del on transcript NM_004035.7 (MANE Select); coding-DNA position 1119, one base deleted (C; older notation c.1119delC).
Protein change: p.Thr374fs; shifts the reading frame from threonine 374.
Molecular consequence: frameshift variant.
Genome position (GRCh38, 1-based): chr17:75,950,953, G deleted on the plus strand (C on the coding strand, the reverse complement: ACOX1 is on the minus strand). VCF-style (leftmost placement, unchanged base first): chr17-75950952-TG-T. GRCh37 (hg19) VCF-style: chr17-73947033-TG-T.
Other names: c.1005del, p.Thr336fs (NM_001185039.2); c.1119del, p.Thr374fs (NM_007292.6); short protein forms T336fs, T374fs.
Identifiers: ClinVar variation 1458434 (VCV001458434.6), dbSNP rs2144240988, ClinGen allele CA2573154923.

ClinVar aggregate classification (germline): Pathogenic (1 of 4 stars; one submission).

Conditions:
Acyl-CoA oxidase deficiency. Also called: STRAIGHT-CHAIN ACYL-CoA OXIDASE DEFICIENCY; Pseudoneonatal adrenoleukodystrophy; Peroxisomal acyl-CoA oxidase deficiency. Identifiers: Orphanet 2971, MedGen C1849678, MONDO:0009919, OMIM 264470. Disease mechanism: loss of function.

Submission:

Labcorp Genetics (formerly Invitae), Labcorp
Classification: Pathogenic for Acyl-CoA oxidase deficiency. Last evaluated: 2021-07-26. Review status: criteria provided, single submitter. Criteria: Invitae Variant Classification Sherloc (09022015). Collection method: clinical testing. Allele origin: germline.
Comment: For these reasons, this variant has been classified as Pathogenic. This variant has not been reported in the literature in individuals affected with ACOX1-related conditions. This variant is not present in population databases (ExAC no frequency). This sequence change creates a premature translational stop signal (p.Thr374Profs*4) in the ACOX1 gene. It is expected to result in an absent or disrupted protein product. Loss-of-function variants in ACOX1 are known to be pathogenic (PMID: 8040306, 17458872).

Literature cited by the submitters: PubMed 8040306; PubMed 17458872.